The following is an entry in ClinVar:

NM_000051.4(ATM):c.320G>A (p.Cys107Tyr)

Gene: ATM (ATM serine/threonine kinase; plus strand). Cytogenetic location: 11q22.3.
Variant type: single nucleotide variant.
Coding change: c.320G>A on transcript NM_000051.4 (MANE Select); coding-DNA position 320, G replaced by A.
Protein change: p.Cys107Tyr; replaces cysteine 107 with tyrosine.
Molecular consequence: missense variant.
Genome position (GRCh38, 1-based): chr11:108,229,312, G>A. VCF-style: chr11-108229312-G-A. GRCh37 (hg19) VCF-style: chr11-108100039-G-A.
Other names: p.C107Y:TGT>TAT; NP_000042.3:p.Cys107Tyr; c.320G>A, p.Cys107Tyr (NM_001351834.2, NM_001351835.2, NM_001351836.2); short protein forms C107Y.
Identifiers: ClinVar variation 127368 (VCV000127368.52), dbSNP rs142358238, ClinGen allele CA286800.

ClinVar aggregate classification (germline): Conflicting classifications of pathogenicity. Review status: criteria provided, conflicting classifications (1 of 4 stars). 21 submissions from 21 submitters: Uncertain significance (8); Benign (2); Likely benign (8). 3 of the submissions do not count toward it. Last evaluated 2026-03-05.

Conditions:
ATM-related cancer predisposition. Also called: ATM-related cancer susceptibility. Identifiers: MedGen CN377759, MONDO:0700270.
ATM-related disorder. Also called: ATM-related disorders; ATM-related condition.
Hereditary cancer-predisposing syndrome. Also called: Tumor predisposition; Hereditary neoplastic syndrome; Neoplastic Syndromes, Hereditary; Hereditary Cancer Syndrome. Identifiers: Orphanet 140162, MedGen C0027672, MeSH D009386, MONDO:0015356.
Familial cancer of breast. Also called: Hereditary breast cancer; hereditary breast carcinoma; BREAST CANCER, FAMILIAL. Identifiers: Orphanet 227535, MedGen C0346153, MONDO:0016419, OMIM 114480. Disease mechanism: loss of function.
Ataxia-telangiectasia syndrome (AT). Also called: LOUIS-BAR SYNDROME; Ataxia-telangiectasia; Ataxia telangiectasia (A-T); Cerebello-oculocutaneous telangiectasia; Immunodeficiency with ataxia telangiectasia; Ataxia-telangiectasia, complementation group D. Identifiers: Orphanet 100, MedGen C0004135, MONDO:0008840, OMIM 208900.
Hereditary breast ovarian cancer syndrome. Also called: Hereditary breast and ovarian cancer syndrome (HBOC); Hereditary breast and ovarian cancer; Hereditary breast and ovarian cancer syndrome; Breast and ovarian cancer; Hereditary breast and/or ovarian cancer syndrome; BRCA1- and BRCA2-Associated Hereditary Breast and Ovarian Cancer. Identifiers: Orphanet 145, MedGen C0677776, MeSH D061325, MONDO:0003582. Disease mechanism: loss of function.
Malignant tumor of breast. Also called: Malignant breast neoplasm; Cancer breast. Identifiers: MedGen C0006142, MONDO:0007254. Disease mechanism: loss of function.

Allele frequency attached by ClinVar (database versions not stated): ExAC 0.00014; gnomAD exomes 0.00016; 1000 Genomes Project 30x 0.00031; 1000 Genomes Project 0.00040; gnomAD 0.00055 and 0.00062; ESP Exome Variant Server 0.00062; TOPMed 0.00068.
gnomAD v4.1: 197 of 1,612,394 alleles (0.012%); highest among the groups gnomAD compares: African/African-American, 0.21%; no homozygotes.

Submissions 1 to 14 of 21:

PreventionGenetics, part of Exact Sciences
Classification: Likely benign for ATM-related condition. Last evaluated: 2026-03-05. Review status: criteria provided, single submitter. Criteria: ACMG Guidelines, 2015. Collection method: clinical testing. Allele origin: germline.
Comment: This variant is classified as likely benign based on ACMG/AMP sequence variant interpretation guidelines (Richards et al. 2015 PMID: 25741868, with internal and published modifications).

Labcorp Genetics (formerly Invitae), Labcorp
Classification: Benign for Ataxia-telangiectasia syndrome. Last evaluated: 2026-02-03. Review status: criteria provided, single submitter. Criteria: Invitae Variant Classification Sherloc (09022015). Collection method: clinical testing. Allele origin: germline.

Dasa
Classification: Uncertain significance for ATM-related cancer predisposition. Last evaluated: 2025-11-22. Review status: criteria provided, single submitter. Criteria: DASA Assertion Criteria. Collection method: clinical testing. Allele origin: germline.
Comment: NM_000051.4(ATM):c.320G>A (p.Cys107Tyr) is a missense variant that results in the substitution of cysteine with tyrosine. The variant is present at low frequency in population datasets. Based on the available data, this variant is classified as variant of uncertain significance.

CeGaT Center for Human Genetics Tuebingen
Classification: Likely benign. Last evaluated: 2025-09-01. Review status: criteria provided, single submitter. Criteria: CeGaT Center For Human Genetics Tuebingen Variant Classification Criteria Version 2. Collection method: clinical testing. Allele origin: germline. Affected: yes. Observed: 1 variant allele.
Comment: ATM: BS1

Quest Diagnostics Nichols Institute San Juan Capistrano
Classification: Likely benign. Last evaluated: 2025-02-07. Review status: criteria provided, single submitter. Criteria: Quest Diagnostics criteria. Collection method: clinical testing. Allele origin: unknown.

Mayo Clinic Laboratories, Mayo Clinic
Classification: Uncertain significance. Last evaluated: 2024-08-22. Review status: criteria provided, single submitter. Criteria: ACMG Guidelines, 2015. Collection method: clinical testing. Allele origin: germline. Observed: 2 variant alleles.
Comment: BS1, PM3_supporting

Women's Health and Genetics/Laboratory Corporation of America, LabCorp
Classification: Likely benign. Last evaluated: 2024-07-25. Review status: criteria provided, single submitter. Criteria: LabCorp Variant Classification Summary - May 2015. Collection method: clinical testing. Allele origin: germline.
Comment: Variant summary: ATM c.320G>A (p.Cys107Tyr) results in a non-conservative amino acid change located in the Telomere-length maintenance and DNA damage repair domain (IPR021668) of the encoded protein sequence. Three of five in-silico tools predict a damaging effect of the variant on protein function. The variant allele was found at a frequency of 0.00017 in 250912 control chromosomes, predominantly at a frequency of 0.0021 within the African or African-American subpopulation in the gnomAD database. The observed variant frequency within African or African-American control individuals in the gnomAD database is approximately 2-fold of the estimated maximal expected allele frequency for a pathogenic variant in ATM causing Breast Cancer phenotype (0.001), strongly suggesting that the variant is a benign polymorphism found primarily in populations of African or African-American origin. These reports do not provide unequivocal conclusions about association of the variant with Breast Cancer or Ataxia Telangiectasia. Additionally, the variant was found to occur in eleven women who are older than 70 years of age and cancer free as reported in the FLOSSIES database. To our knowledge, no experimental evidence demonstrating an impact on protein function has been reported. The following publications have been ascertained in the context of this evaluation (PMID: 12673797, 29482223, 35039564, 35264596, 23555315, 17333338, 26689913, 19781682, 31206626, 25318351, 33421217, 25980754, 33747920). ClinVar contains an entry for this variant (Variation ID: 127368). Based on the evidence outlined above, the variant was classified as likely benign.

Blueprint Genetics
Classification: Uncertain significance. Last evaluated: 2024-04-30. Review status: criteria provided, single submitter. Criteria: ACMG Guidelines, 2015. Collection method: clinical testing. Allele origin: germline.

Myriad Genetics, Inc.
Classification: Likely benign for Familial cancer of breast. Last evaluated: 2024-04-18. Review status: criteria provided, single submitter. Criteria: Myriad Autosomal Dominant, Autosomal Recessive and X-Linked Classification Criteria (2023). Collection method: clinical testing. Allele origin: unknown.
Comment: This variant is considered likely benign. This variant is strongly associated with less severe personal and family histories of cancer, typical for individuals without pathogenic variants in this gene [PMID: 25085752].

Mendelics
Classification: Benign for Ataxia-telangiectasia syndrome. Last evaluated: 2023-08-22. Review status: criteria provided, single submitter. Criteria: Mendelics Assertion Criteria 2019. Collection method: clinical testing. Allele origin: germline.

National Health Laboratory Service, Universitas Academic Hospital and University of the Free State
Classification: Likely benign for Hereditary breast ovarian cancer syndrome. Last evaluated: 2022-04-19. Review status: criteria provided, single submitter. Criteria: ACMG Guidelines, 2015. Collection method: clinical testing. Allele origin: germline. Affected: yes. Observed: 1 variant allele.

Sema4
Classification: Uncertain significance for Hereditary cancer-predisposing syndrome. Last evaluated: 2022-01-11. Review status: criteria provided, single submitter. Criteria: Sema4 Curation Guidelines. Collection method: curation. Allele origin: germline.
Comment: The ATM c.320G>A (p.C107Y) variant has been reported in heterozygosity in at least one individual with acute myeloid leukemia (PMID: 26689913). This variant has also been reported as compound heterozygous in at least one individual with ataxia telangiectasia and in at least one individual undergoing Lynch syndrome testing (PMID: 25980754, 12673797). It was observed in 53/24862 chromosomes, with no homozygotes, in the African/African American subpopulation in the large and broad cohorts of the Genome Aggregation Database (PMID: 32461654). The variant has been reported in ClinVar (Variation ID: 127368). In silico tools suggest the impact of the variant on protein function is inconclusive, though these predictions have not been confirmed by functional studies. The evidence is insufficient to meet ACMG/AMP criteria for classifying the variant as benign or pathogenic. Thus, the clinical significance of this variant is currently uncertain.

Ambry Genetics
Classification: Likely benign for Hereditary cancer-predisposing syndrome. Last evaluated: 2019-02-11. Review status: criteria provided, single submitter. Criteria: Ambry Variant Classification Scheme 2023. Collection method: clinical testing. Allele origin: germline.

Eurofins Ntd Llc (ga)
Classification: Uncertain significance. Last evaluated: 2018-06-05. Review status: criteria provided, single submitter. Criteria: EGL ClinVar v180209 classification definitions. Collection method: clinical testing. Allele origin: germline. Observed: 1 variant allele, 1 heterozygote.